The following is an entry in ClinVar:

NM_005228.5(EGFR):c.1306T>G (p.Phe436Val)

Gene: EGFR (epidermal growth factor receptor; plus strand). Cytogenetic location: 7p11.2.
Variant type: single nucleotide variant.
Coding change: c.1306T>G on transcript NM_005228.5 (MANE Select); coding-DNA position 1306, T replaced by G.
Protein change: p.Phe436Val; replaces phenylalanine 436 with valine.
Molecular consequence: missense variant.
Genome position (GRCh38, 1-based): chr7:55,160,146, T>G. VCF-style: chr7-55160146-T-G. GRCh37 (hg19) VCF-style: chr7-55227839-T-G.
Other names: c.1171T>G, p.Phe391Val (NM_001346897.2, NM_001346899.2); c.1306T>G, p.Phe436Val (NM_001346898.2, NM_201282.2, NM_201284.2); c.1147T>G, p.Phe383Val (NM_001346900.2); c.505T>G, p.Phe169Val (NM_001346941.2); short protein forms F169V, F436V, F391V, F383V.
Identifiers: ClinVar variation 2827776 (VCV002827776.3), dbSNP rs1345387967, ClinGen allele CA367579320.

ClinVar aggregate classification (germline): Uncertain significance (1 of 4 stars; one submission).

Conditions:
EGFR-related lung cancer (EGFR). Identifiers: MedGen CN130014.

Submission:

Labcorp Genetics (formerly Invitae), Labcorp
Classification: Uncertain significance for EGFR-related lung cancer. Last evaluated: 2023-01-12. Review status: criteria provided, single submitter. Criteria: Invitae Variant Classification Sherloc (09022015). Collection method: clinical testing. Allele origin: germline.
Comment: Advanced modeling of protein sequence and biophysical properties (such as structural, functional, and spatial information, amino acid conservation, physicochemical variation, residue mobility, and thermodynamic stability) performed at Invitae indicates that this missense variant is not expected to disrupt EGFR protein function. In summary, the available evidence is currently insufficient to determine the role of this variant in disease. Therefore, it has been classified as a Variant of Uncertain Significance. This variant has not been reported in the literature in individuals affected with EGFR-related conditions. This sequence change replaces phenylalanine, which is neutral and non-polar, with valine, which is neutral and non-polar, at codon 436 of the EGFR protein (p.Phe436Val). This variant is not present in population databases (gnomAD no frequency).